The following is an entry in ClinVar:

NM_005633.4(SOS1):c.263C>A (p.Ala88Asp)

Gene: SOS1 (SOS Ras/Rac guanine nucleotide exchange factor 1; minus strand). Cytogenetic location: 2p22.1.
Variant type: single nucleotide variant.
Coding change: c.263C>A on transcript NM_005633.4 (MANE Select); coding-DNA position 263, C replaced by A.
Protein change: p.Ala88Asp; replaces alanine 88 with aspartic acid.
Molecular consequence: missense variant.
Genome position (GRCh38, 1-based): chr2:39,058,755, G>T on the plus strand (C>A on the coding strand, the complement: SOS1 is on the minus strand). VCF-style: chr2-39058755-G-T. GRCh37 (hg19) VCF-style: chr2-39285896-G-T.
Other names: c.242C>A, p.Ala81Asp (NM_001382394.1); c.263C>A, p.Ala88Asp (NM_001382395.1); short protein forms A88D, A81D.
Identifiers: ClinVar variation 1794165 (VCV001794165.2), dbSNP rs2465361577, ClinGen allele CA346373955.

ClinVar aggregate classification (germline): Uncertain significance (1 of 4 stars; one submission).

Conditions:
Cardiovascular phenotype. Identifiers: MedGen CN230736.

Submission:

Ambry Genetics
Classification: Uncertain significance for Cardiovascular phenotype. Last evaluated: 2019-07-30. Review status: criteria provided, single submitter. Criteria: Ambry Variant Classification Scheme 2023. Collection method: clinical testing. Allele origin: germline.
Comment: The p.A88D variant (also known as c.263C>A), located in coding exon 3 of the SOS1 gene, results from a C to A substitution at nucleotide position 263. The alanine at codon 88 is replaced by aspartic acid, an amino acid with dissimilar properties. This amino acid position is well conserved in available vertebrate species. In addition, the in silico prediction for this alteration is inconclusive. Since supporting evidence is limited at this time, the clinical significance of this alteration remains unclear.